The following is an entry in ClinVar:

ClinVar aggregate classification (germline): Likely pathogenic (1 of 4 stars; one submission).

Submission:

GeneDx
Classification: Likely pathogenic. Last evaluated: 2018-12-04. Review status: criteria provided, single submitter. Criteria: GeneDx Variant Classification (06012015). Collection method: clinical testing. Allele origin: germline. Affected: yes.
Comment: A variant that is likely pathogenic has been identified in the GNB5 gene. The c.1092delT variant has not been published as a pathogenic variant, nor has it been reported as a benign variant to our knowledge. This variant is not observed at a significant frequency in large population cohorts (Lek et al., 2016). The c.1092delT variant causes a frameshift starting with codon Phenylalanine 364, changes this amino acid to a Leucine residue, and creates a premature Stop codon at position 57 of the new reading frame, denoted p.Phe364LeufsX57. The last 32 amino acids are replaced with 56 incorrect amino acids. Therefore, this variant is likely pathogenic.

NM_016194.4(GNB5):c.1092del (p.Phe364fs)

Gene: GNB5 (G protein subunit beta 5; minus strand). Cytogenetic location: 15q21.2.
Variant type: Deletion.
Coding change: c.1092del on transcript NM_016194.4 (MANE Select); coding-DNA position 1092, one base deleted (T; older notation c.1092delT).
Protein change: p.Phe364fs; shifts the reading frame from phenylalanine 364.
Molecular consequence: frameshift variant.
Genome position (GRCh38, 1-based): chr15:52,124,557, A deleted on the plus strand (T on the coding strand, the reverse complement: GNB5 is on the minus strand); the first of 3 consecutive A bases (chr15:52,124,557-52,124,559); deleting any one gives the same sequence. VCF-style (leftmost placement, unchanged base first): chr15-52124556-CA-C. GRCh37 (hg19) VCF-style: chr15-52416753-CA-C.
Other names: c.966del, p.Phe322fs (NM_006578.4); short protein forms F322fs, F364fs.
Identifiers: ClinVar variation 817365 (VCV000817365.1), dbSNP rs1261069673, ClinGen allele CA618503971.